The following is an entry in ClinVar:

NM_001983.4(ERCC1):c.843+105C>G

Gene: ERCC1 (ERCC excision repair 1, endonuclease non-catalytic subunit; minus strand). Cytogenetic location: 19q13.32.
Variant type: single nucleotide variant.
Coding change: c.843+105C>G on transcript NM_001983.4 (MANE Select); 105 bases into the intron after coding-DNA position 843, C replaced by G.
Molecular consequence: intron variant. On other transcripts: synonymous variant (5).
Genome position (GRCh38, 1-based): chr19:45,413,572, G>C on the plus strand (C>G on the coding strand, the complement: ERCC1 is on the minus strand). VCF-style: chr19-45413572-G-C. GRCh37 (hg19) VCF-style: chr19-45916830-G-C.
Other names: c.948C>G, p.Thr316= (NM_001369408.1, NM_001369409.1, NM_202001.3); c.876C>G, p.Thr292= (NM_001369410.1, NM_001369411.1); c.843+105C>G (NM_001369412.1, NM_001369413.1, NM_001369414.1 and 2 more transcripts); c.771+105C>G (NM_001369417.1, NM_001369418.1, NM_001166049.2 and 1 more transcripts).
Identifiers: ClinVar variation 2650111 (VCV002650111.25), dbSNP rs749775040, ClinGen allele CA9515253.

ClinVar aggregate classification (germline): Likely benign. Review status: criteria provided, multiple submitters, no conflicts (2 of 4 stars). 2 submissions from 2 submitters: Likely benign (2). Last evaluated 2024-09-20.

Allele frequency attached by ClinVar (database versions not stated): TOPMed 0.00002 and 0.00003; gnomAD 0.00003; gnomAD exomes 0.00006 and 0.00008; ExAC 0.00008.
gnomAD v4.1: 99 of 1,613,788 alleles (0.0061%); highest among the groups gnomAD compares: Non-Finnish European, 0.008%; no homozygotes.

Submissions (2):

Blueprint Genetics
Classification: Likely benign. Last evaluated: 2024-09-20. Review status: criteria provided, single submitter. Criteria: ACMG Guidelines, 2015. Collection method: clinical testing. Allele origin: germline.

CeGaT Center for Human Genetics Tuebingen
Classification: Likely benign. Last evaluated: 2024-08-01. Review status: criteria provided, single submitter. Criteria: CeGaT Center For Human Genetics Tuebingen Variant Classification Criteria Version 2. Collection method: clinical testing. Allele origin: germline. Affected: yes. Observed: 2 variant alleles.
Comment: ERCC1: BP4, BP7